The following is an entry in ClinVar:

NM_000053.4(ATP7B):c.2121+1G>A

Gene: ATP7B (ATPase copper transporting beta; minus strand). Cytogenetic location: 13q14.3.
Variant type: single nucleotide variant.
Coding change: c.2121+1G>A on transcript NM_000053.4 (MANE Select); the canonical splice donor site of the intron after coding-DNA position 2121, G replaced by A.
Molecular consequence: splice donor variant. On other transcripts: intron variant (13).
Genome position (GRCh38, 1-based): chr13:51,960,147, C>T on the plus strand (G>A on the coding strand, the complement: ATP7B is on the minus strand). VCF-style: chr13-51960147-C-T. GRCh37 (hg19) VCF-style: chr13-52534283-C-T.
Other names: c.1870-2540G>A (NM_001406541.1, NM_001005918.3, NM_001406546.1 and 1 more transcripts); c.1870-1603G>A (NM_001406531.1, NM_001406532.1, NM_001406540.1 and 1 more transcripts); c.2121+1G>A (NM_001406527.1, NM_001406537.1, NM_001406521.1 and 17 more transcripts); c.1774-1603G>A (NM_001406543.1); c.1788+1G>A (NM_001243182.2); c.1286-9986G>A (NM_001406548.1); c.2088+1G>A (NM_001406524.1, NM_001406514.1); c.1708-2540G>A (NM_001406547.1, NM_001406545.1); and 3 more.
Identifiers: ClinVar variation 1339249 (VCV001339249.5), dbSNP rs751235573, ClinGen allele CA6989117.

ClinVar aggregate classification (germline): Pathogenic/Likely pathogenic. Review status: criteria provided, multiple submitters, no conflicts (2 of 4 stars). 3 submissions from 3 submitters: Pathogenic (1); Likely pathogenic (2). Last evaluated 2026-01-13.

Conditions:
Wilson disease (WND). Also called: Wilson's disease. Identifiers: Orphanet 905, MedGen C0019202, MONDO:0010200, OMIM 277900. Disease mechanism: loss of function.

Allele frequency attached by ClinVar (database versions not stated): gnomAD exomes below 0.00001; ExAC 0.00001.

Submissions (3):

Natera, Inc.
Classification: Pathogenic for Wilson disease. Last evaluated: 2026-01-13. Review status: criteria provided, single submitter. Criteria: Natera Variant Classification Schema (03/2026). Collection method: clinical testing. Allele origin: germline.
Comment: The c.2121+1G>A variant in ATP7B is a canonical splice donor site variant predicted to affect pre-mRNA splicing, which may result in an abnormal transcript and altered protein product. This variant is expected to result in nonsense mediated decay, truncation, or a dysfunctional protein product. This variant is rare in the general population with a frequency below the threshold expected for the associated phenotype(s). Another variant at this same site results in an alteration predicted to cause a similar molecular effect has been observed in individual(s) with the associated phenotype. Given the available evidence, this variant is classified as Pathogenic.

Baylor Genetics
Classification: Likely pathogenic for Wilson disease. Last evaluated: 2024-02-08. Review status: criteria provided, single submitter. Criteria: ACMG Guidelines, 2015. Collection method: clinical testing. Allele origin: unknown.

Neuberg Centre For Genomic Medicine, NCGM
Classification: Likely pathogenic for Wilson disease. Review status: criteria provided, single submitter. Criteria: ACMG Guidelines, 2015. Collection method: clinical testing. Allele origin: germline. Affected: yes.
Comment: The splice donor variant c.2121+1G>A in ATP7B (NM_000053.4) has not been reported previously as a pathogenic variant nor as a benign variant, to our knowledge. The c.2121+1G>A variant is observed in 1/1,12,896 (0.0009%) alleles from individuals of European (Non-Finnish) background in gnomAD Exomes and is novel (not in any individuals) in 1000 Genomes. This variant mutates a splice-donor sequence, potentially resulting in the retention of large segments of intronic DNA by the mRNA and nonfunctional proteins. The c.2121+1G>A variant is a loss of function variant in the gene ATP7B, which is intolerant of Loss of Function variants, as indicated by the presence of existing pathogenic loss of function variant NP_000044.2:p.A38Cfs*3 and 73 others. There are 145 downstream pathogenic loss of function variants, with the furthest variant being 721 residues downstream of the variant c.2121+1G>A. For these reasons, this variant has been classified as Likely Pathogenic